The following is an entry in ClinVar:

NM_198904.4(GABRG2):c.598G>A (p.Asp200Asn)

Gene: GABRG2 (gamma-aminobutyric acid type A receptor subunit gamma2; plus strand). Cytogenetic location: 5q34.
Variant type: single nucleotide variant.
Coding change: c.598G>A on transcript NM_198904.4 (MANE Select); coding-DNA position 598, G replaced by A.
Protein change: p.Asp200Asn; replaces aspartic acid 200 with asparagine.
Molecular consequence: missense variant.
Genome position (GRCh38, 1-based): chr5:162,101,284, G>A. VCF-style: chr5-162101284-G-A. GRCh37 (hg19) VCF-style: chr5-161528290-G-A.
Other names: c.532G>A, p.Asp178Asn (NM_001375345.1, NM_001375346.1); c.511G>A, p.Asp171Asn (NM_001375347.1); c.178G>A, p.Asp60Asn (NM_001375348.1, NM_001375350.1); c.313G>A, p.Asp105Asn (NM_001375349.1); c.598G>A, p.Asp200Asn (NM_198903.2, NM_000816.3, NM_001375340.1 and 4 more transcripts); c.589G>A, p.Asp197Asn (NM_001375339.1); short protein forms D105N, D171N, D178N, D197N, D200N, D60N.
Identifiers: ClinVar variation 3753882 (VCV003753882.2).

ClinVar aggregate classification (germline): Uncertain significance (1 of 4 stars; one submission).

Conditions:
Febrile seizures, familial, 8 (FEB8). Also called: CONVULSIONS, FAMILIAL FEBRILE, 8. Identifiers: Orphanet 36387, MedGen C1969810, MONDO:0011891, OMIM 607681.
EPILEPSY, CHILDHOOD ABSENCE, SUSCEPTIBILITY TO, 2 (ECA2). Identifiers: Orphanet 64280, MedGen C1843244, OMIM 607681.

gnomAD v4.1: 1 of 1,611,450 alleles (0.000062%); highest among the groups gnomAD compares: African/African-American, 0.0013%; no homozygotes.

Submission:

Labcorp Genetics (formerly Invitae), Labcorp
Classification: Uncertain significance for Febrile seizures, familial, 8; EPILEPSY, CHILDHOOD ABSENCE, SUSCEPTIBILITY TO, 2. Last evaluated: 2024-11-15. Review status: criteria provided, single submitter. Criteria: Invitae Variant Classification Sherloc (09022015). Collection method: clinical testing. Allele origin: germline.
Comment: This sequence change replaces aspartic acid, which is acidic and polar, with asparagine, which is neutral and polar, at codon 200 of the GABRG2 protein (p.Asp200Asn). This variant is present in population databases (no rsID available, gnomAD 0.01%). This missense change has been observed in individual(s) with clinical features of GABRG2-related conditions (internal data). Invitae Evidence Modeling of protein sequence and biophysical properties (such as structural, functional, and spatial information, amino acid conservation, physicochemical variation, residue mobility, and thermodynamic stability) indicates that this missense variant is expected to disrupt GABRG2 protein function with a positive predictive value of 95%. In summary, the available evidence is currently insufficient to determine the role of this variant in disease. Therefore, it has been classified as a Variant of Uncertain Significance.